The following is an entry in ClinVar:

ClinVar aggregate classification (germline): Uncertain significance (1 of 4 stars; one submission).

Conditions:
Hypogonadotropic hypogonadism 2 with or without anosmia (HH2). Also called: HYPOGONADOTROPIC HYPOGONADISM 2 WITH OR WITHOUT ANOSMIA, SUSCEPTIBILITY TO; HYPOGONADOTROPIC HYPOGONADISM 2 WITHOUT ANOSMIA, SUSCEPTIBILITY TO; FGFR1-Related GnRH Deficiency (Kallmann Syndrome 2); HYPOGONADOTROPIC HYPOGONADISM 2 WITHOUT ANOSMIA. Identifiers: Orphanet 478, MedGen C1563720, MONDO:0007844, OMIM 147950. Disease mechanism: loss of function.
Pfeiffer syndrome (ACS5). Also called: ACS V. Identifiers: Orphanet 710, MedGen C0220658, MONDO:0007043, OMIM 101600.

Allele frequency attached by ClinVar (database versions not stated): gnomAD exomes below 0.00001.
gnomAD v4.1: 1 of 1,614,094 alleles (0.000062%); highest among the groups gnomAD compares: Middle Eastern, 0.017%; no homozygotes.

Submission:

Labcorp Genetics (formerly Invitae), Labcorp
Classification: Uncertain significance for Pfeiffer syndrome; Hypogonadotropic hypogonadism 2 with or without anosmia. Last evaluated: 2022-03-11. Review status: criteria provided, single submitter. Criteria: Invitae Variant Classification Sherloc (09022015). Collection method: clinical testing. Allele origin: germline.
Comment: In summary, the available evidence is currently insufficient to determine the role of this variant in disease. Therefore, it has been classified as a Variant of Uncertain Significance. Algorithms developed to predict the effect of missense changes on protein structure and function are either unavailable or do not agree on the potential impact of this missense change (SIFT: "Tolerated"; PolyPhen-2: "Possibly Damaging"; Align-GVGD: "Class C0"). This variant has not been reported in the literature in individuals affected with FGFR1-related conditions. This variant is not present in population databases (gnomAD no frequency). This sequence change replaces aspartic acid, which is acidic and polar, with asparagine, which is neutral and polar, at codon 599 of the FGFR1 protein (p.Asp599Asn).

NM_023110.3(FGFR1):c.1795G>A (p.Asp599Asn)

Gene: FGFR1 (fibroblast growth factor receptor 1; minus strand). Cytogenetic location: 8p11.23.
Variant type: single nucleotide variant.
Coding change: c.1795G>A on transcript NM_023110.3 (MANE Select); coding-DNA position 1795, G replaced by A.
Protein change: p.Asp599Asn; replaces aspartic acid 599 with asparagine.
Molecular consequence: missense variant.
Genome position (GRCh38, 1-based): chr8:38,415,929, C>T on the plus strand (G>A on the coding strand, the complement: FGFR1 is on the minus strand). VCF-style: chr8-38415929-C-T. GRCh37 (hg19) VCF-style: chr8-38273447-C-T.
Other names: c.1795G>A, p.Asp599Asn (NM_000604.2); c.1789G>A, p.Asp597Asn (NM_001174063.2, NM_001174065.2, NM_001354367.2 and 1 more transcripts); c.1765G>A, p.Asp589Asn (NM_001174064.2); c.1528G>A, p.Asp510Asn (NM_001174066.2, NM_023105.3); c.1888G>A, p.Asp630Asn (NM_001174067.2); c.1516G>A, p.Asp506Asn (NM_001354368.2); c.1783G>A, p.Asp595Asn (NM_001354369.2, NM_001410922.1); c.1522G>A, p.Asp508Asn (NM_001354370.2, NM_023106.3); short protein forms D510N, D508N, D589N, D595N, D599N, D630N, D506N, D597N.
Identifiers: ClinVar variation 2109331 (VCV002109331.4), dbSNP rs2150584619, ClinGen allele CA370731642.
Genomic context (GRCh38, chr8:38,415,929, plus strand): 5'-CCTTCTTGGAGGCCAGATACTCCATGCCTCGGGCCACCTGGTAGGCGCAGGACACCAGGT[C>T]CTTGGAGGAGAGCTGCTCCTCTGGGTTGTGGCTGGGGTTGTAGCAGTATTCCAGCCCTGG-3'
Protein context (NP_075598.2, residues 589-609): HNPEEQLSSK[Asp599Asn]LVSCAYQVAR